The following is an entry in ClinVar:

ClinVar aggregate classification (germline): Uncertain significance. Review status: criteria provided, multiple submitters, no conflicts (2 of 4 stars). 2 submissions from 2 submitters: Uncertain significance (2). Last evaluated 2023-12-03.

Conditions:
Anophthalmia-microphthalmia syndrome. Also called: Anophthalmia/Microphthalmia; Anophthalmia - microphthalmia. Identifiers: Orphanet 98555, MedGen C5680330, MONDO:0020147.

Submissions (2):

GeneDx
Classification: Uncertain significance. Last evaluated: 2023-12-03. Review status: criteria provided, single submitter. Criteria: GeneDx Variant Classification Process June 2021. Collection method: clinical testing. Allele origin: germline. Affected: yes.
Comment: Not observed at significant frequency in large population cohorts (gnomAD); In silico analysis supports that this missense variant has a deleterious effect on protein structure/function; Has not been previously published as pathogenic or benign to our knowledge

Labcorp Genetics (formerly Invitae), Labcorp
Classification: Uncertain significance for Anophthalmia-microphthalmia syndrome. Last evaluated: 2023-09-30. Review status: criteria provided, single submitter. Criteria: Invitae Variant Classification Sherloc (09022015). Collection method: clinical testing. Allele origin: germline.
Comment: This sequence change replaces lysine, which is basic and polar, with glutamic acid, which is acidic and polar, at codon 87 of the OTX2 protein (p.Lys87Glu). This variant is not present in population databases (gnomAD no frequency). This missense change has been observed in individual(s) with microphthalmia (Invitae). An algorithm developed to predict the effect of missense changes on protein structure and function (PolyPhen-2) suggests that this variant is likely to be disruptive. In summary, the available evidence is currently insufficient to determine the role of this variant in disease. Therefore, it has been classified as a Variant of Uncertain Significance.

NM_021728.4(OTX2):c.283A>G (p.Lys95Glu)

Gene: OTX2 (orthodenticle homeobox 2; minus strand). Cytogenetic location: 14q22.3.
Variant type: single nucleotide variant.
Coding change: c.283A>G on transcript NM_021728.4 (MANE Select); coding-DNA position 283, A replaced by G.
Protein change: p.Lys95Glu; replaces lysine 95 with glutamic acid.
Molecular consequence: missense variant. On other transcripts: non-coding transcript variant (2).
Genome position (GRCh38, 1-based): chr14:56,802,346, T>C on the plus strand (A>G on the coding strand, the complement: OTX2 is on the minus strand). VCF-style: chr14-56802346-T-C. GRCh37 (hg19) VCF-style: chr14-57269064-T-C.
Other names: c.259A>G, p.Lys87Glu (NM_001270523.2, NM_001270524.2, NM_172337.3); c.283A>G, p.Lys95Glu (NM_001270525.2); c.283A>G (NM_021728.2); short protein forms K95E, K87E.
Identifiers: ClinVar variation 2764676 (VCV002764676.4), dbSNP rs2503899072, ClinGen allele CA390052193.